The following is an entry in ClinVar:

ClinVar aggregate classification (germline): Benign/Likely benign. Review status: criteria provided, multiple submitters, no conflicts (2 of 4 stars). 4 submissions from 4 submitters: Benign (2); Likely benign (1). 1 of the submissions does not count toward it. Last evaluated 2026-01-26.

Conditions:
CFAP300-related disorder. Also called: CFAP300-related condition.

Allele frequency attached by ClinVar (database versions not stated): ExAC 0.00106; gnomAD 0.00141 and 0.00151; TOPMed 0.00142; 1000 Genomes Project 30x 0.00156; gnomAD exomes 0.00164 and 0.00188; 1000 Genomes Project 0.00200.
gnomAD v4.1: 2,841 of 1,535,916 alleles (0.18%); highest among the groups gnomAD compares: Non-Finnish European, 0.2%; 7 homozygotes.

Submissions (4):

Labcorp Genetics (formerly Invitae), Labcorp
Classification: Benign. Last evaluated: 2026-01-26. Review status: criteria provided, single submitter. Criteria: Invitae Variant Classification Sherloc (09022015). Collection method: clinical testing. Allele origin: germline.

Mayo Clinic Laboratories, Mayo Clinic
Classification: Benign. Last evaluated: 2025-04-22. Review status: criteria provided, single submitter. Criteria: ACMG Guidelines, 2015. Collection method: clinical testing. Allele origin: germline. Observed: 1 variant allele.
Comment: BS1, BS2, BP4_moderate

Blueprint Genetics
Classification: Likely benign. Last evaluated: 2024-11-08. Review status: criteria provided, single submitter. Criteria: ACMG Guidelines, 2015. Collection method: clinical testing. Allele origin: germline.

PreventionGenetics, part of Exact Sciences
Classification: Likely benign for CFAP300-related condition. Last evaluated: 2022-06-03. Review status: no assertion criteria provided. Collection method: clinical testing. Allele origin: germline. Not counted in ClinVar's aggregate classification.
Comment: This variant is classified as likely benign based on ACMG/AMP sequence variant interpretation guidelines (Richards et al. 2015 PMID: 25741868, with internal and published modifications).

NM_032930.3(CFAP300):c.16C>T (p.Leu6Phe)

Gene: CFAP300 (cilia and flagella associated protein 300; plus strand). Cytogenetic location: 11q22.1.
Variant type: single nucleotide variant.
Coding change: c.16C>T on transcript NM_032930.3 (MANE Select); coding-DNA position 16, C replaced by T.
Protein change: p.Leu6Phe; replaces leucine 6 with phenylalanine.
Molecular consequence: missense variant.
Genome position (GRCh38, 1-based): chr11:102,047,486, C>T. VCF-style: chr11-102047486-C-T. GRCh37 (hg19) VCF-style: chr11-101918217-C-T.
Other names: p.Leu6Phe; c.16C>T (NM_032930.2); c.16C>T, p.Leu6Phe (NM_001195005.2, NM_001363505.2); short protein forms L6F.
Identifiers: ClinVar variation 1681444 (VCV001681444.12), dbSNP rs184947491, ClinGen allele CA6245876.
Genomic context (GRCh38, chr11:102,047,486, plus strand): 5'-CGTCTCCATGGAAACGGCCCAGGCATCCACCCAGCCGAGAGCACGATGGCTACTGGGGAG[C>T]TCGGGGACTTGGGTGGCTACTACTTCAGGTTCTTGCCTCAGAAAACCTTCCAGTCTCTGA-3'
Protein context (NP_116319.2, residues 1-16): MATGE[Leu6Phe]GDLGGYYFRF